The following is an entry in ClinVar:

ClinVar aggregate classification (germline): Uncertain significance (1 of 4 stars; one submission).

Conditions:
Hereditary spastic paraplegia 11. Also called: Spastic paraplegia, mental retardation and thin corpus callosum; Nakamura Osame syndrome; Autosomal recessive hereditary spastic paraplegia, mental impairment, and thin corpus callosum; SPASTIC PARAPLEGIA, AUTOSOMAL RECESSIVE, COMPLICATED, WITH THIN CORPUS CALLOSUM; SPASTIC PARAPLEGIA, AUTOSOMAL RECESSIVE, WITH MENTAL IMPAIRMENT AND THIN CORPUS CALLOSUM; Spastic Paraplegia 11. Identifiers: Orphanet 2822, MedGen C1858479, MONDO:0011445, OMIM 604360.

Allele frequency attached by ClinVar (database versions not stated): gnomAD exomes below 0.00001; TOPMed below 0.00001; gnomAD 0.00001.
gnomAD v4.1: 5 of 1,610,068 alleles (0.00031%); highest among the groups gnomAD compares: Non-Finnish European, 0.00034%; no homozygotes.

Submission:

Labcorp Genetics (formerly Invitae), Labcorp
Classification: Uncertain significance for Hereditary spastic paraplegia 11. Last evaluated: 2021-08-28. Review status: criteria provided, single submitter. Criteria: Invitae Variant Classification Sherloc (09022015). Collection method: clinical testing. Allele origin: germline.
Comment: This sequence change replaces tyrosine with cysteine at codon 1556 of the SPG11 protein (p.Tyr1556Cys). The tyrosine residue is highly conserved and there is a large physicochemical difference between tyrosine and cysteine. This variant is not present in population databases (ExAC no frequency). This variant has not been reported in the literature in individuals affected with SPG11-related conditions. Algorithms developed to predict the effect of missense changes on protein structure and function (SIFT, PolyPhen-2, Align-GVGD) all suggest that this variant is likely to be disruptive. In summary, the available evidence is currently insufficient to determine the role of this variant in disease. Therefore, it has been classified as a Variant of Uncertain Significance.

NM_025137.4(SPG11):c.4667A>G (p.Tyr1556Cys)

Gene: SPG11 (SPG11 vesicle trafficking associated, spatacsin; minus strand). Cytogenetic location: 15q21.1.
Variant type: single nucleotide variant.
Coding change: c.4667A>G on transcript NM_025137.4 (MANE Select); coding-DNA position 4667, A replaced by G.
Protein change: p.Tyr1556Cys; replaces tyrosine 1556 with cysteine.
Molecular consequence: missense variant.
Genome position (GRCh38, 1-based): chr15:44,592,407, T>C on the plus strand (A>G on the coding strand, the complement: SPG11 is on the minus strand). VCF-style: chr15-44592407-T-C. GRCh37 (hg19) VCF-style: chr15-44884605-T-C.
Other names: c.4667A>G, p.Tyr1556Cys (NM_001160227.2); short protein forms Y1556C.
Identifiers: ClinVar variation 663066 (VCV000663066.6), dbSNP rs1374442173, ClinGen allele CA392225316.